The following is an entry in ClinVar:

NM_003742.4(ABCB11):c.1146_1166del (p.Phe383_Ala389del)

Gene: ABCB11 (ATP binding cassette subfamily B member 11; minus strand). Cytogenetic location: 2q31.1.
Variant type: Deletion.
Coding change: c.1146_1166del on transcript NM_003742.4 (MANE Select); coding-DNA positions 1146 to 1166, 21 bases deleted (CTTTGCAACTGGACGTGCAGC).
Protein change: p.Phe383_Ala389del.
Molecular consequence: inframe deletion.
Genome position (GRCh38, 1-based): chr2:168,979,897-168,979,917, GCTGCACGTCCAGTTGCAAAG deleted on the plus strand (CTTTGCAACTGGACGTGCAGC on the coding strand, the reverse complement: ABCB11 is on the minus strand); deleting any 21 consecutive bases within chr2:168,979,897-168,979,920 gives the same sequence; the c. name uses the placement nearest the transcript's 3' end. VCF-style (leftmost placement, unchanged base first): chr2-168979896-TGCTGCACGTCCAGTTGCAAAG-T. GRCh37 (hg19) VCF-style: chr2-169836406-TGCTGCACGTCCAGTTGCAAAG-T.
Other names: NM_003742.4(ABCB11):c.1146_1166del; p.Phe383_Ala389del; c.1146_1166delCTTTGCAACTGGACGTGCAGC (NM_003742.4); c.1146_1166del, p.Phe383_Ala389del (LRG_1199t1).
Identifiers: ClinVar variation 499801 (VCV000499801.14), dbSNP rs1553468235, ClinGen allele CA658795954.

ClinVar aggregate classification (germline): Conflicting classifications of pathogenicity. Review status: criteria provided, conflicting classifications (1 of 4 stars). 7 submissions from 7 submitters: Pathogenic (3); Likely pathogenic (3); Uncertain significance (1). Last evaluated 2026-04-14.

Conditions:
Progressive familial intrahepatic cholestasis type 2. Identifiers: Orphanet 79304, MedGen C3489789, MONDO:0011156, OMIM 601847.
Benign recurrent intrahepatic cholestasis type 2 (BRIC2). Also called: Recurrent familial intrahepatic cholestasis 2. Identifiers: Orphanet 65682, Orphanet 99961, MedGen C2608083, MONDO:0011559, OMIM 605479.
Familial intrahepatic cholestasis. Identifiers: Orphanet 284385, MedGen CN296401, MONDO:0017290.

Submissions (7):

Genomenon, Inc
Classification: Likely pathogenic for Familial intrahepatic cholestasis. Last evaluated: 2026-04-14. Review status: criteria provided, single submitter. Criteria: Genomenon Sequence Variant Interpretation Standards - Updated. Collection method: curation. Allele origin: germline. Affected: yes.
Comment: ABCB11 p.Phe383_Ala389del (c.1146_1166del) is an in-frame deletion variant that results in the loss of multiple amino acids, from Phenylalanine at position 383 to Alanine at position 389. This variant has been observed in at least one proband with an ABCB11-related disorder (PMID:35780807;28733223;24231640;18395098). It is absent or not present at a significant frequency in gnomAD. In conclusion, we classify ABCB11 p.Phe383_Ala389del (c.1146_1166del) as a likely pathogenic variant.

Labcorp Genetics (formerly Invitae), Labcorp
Classification: Pathogenic. Last evaluated: 2025-05-14. Review status: criteria provided, single submitter. Criteria: Invitae Variant Classification Sherloc (09022015). Collection method: clinical testing. Allele origin: germline.
Comment: This variant, c.1146_1166del, results in the deletion of 7 amino acid(s) of the ABCB11 protein (p.Phe383_Ala389del), but otherwise preserves the integrity of the reading frame. This variant is not present in population databases (gnomAD no frequency). This variant has been observed in individuals with progressive familial intrahepatic cholestasis (PMID: 18395098, 28733223, 34016879). This variant is also known as c.1146_1166del21, c.1145_1165del . ClinVar contains an entry for this variant (Variation ID: 499801). This variant disrupts a region of the ABCB11 protein in which other variant(s) (p.Arg387His) have been determined to be pathogenic (PMID: 20232290, 28733223). This suggests that this is a clinically significant region of the protein, and that variants that disrupt it are likely to be disease-causing. For these reasons, this variant has been classified as Pathogenic.

Natera, Inc.
Classification: Pathogenic for Progressive familial intrahepatic cholestasis type 2. Last evaluated: 2025-04-04. Review status: criteria provided, single submitter. Criteria: Natera Variant Classification Schema (03/2026). Collection method: clinical testing. Allele origin: germline.
Comment: The c.1146_1166delCTTTGCAACTGGACGTGCAGC variant in ABCB11 is an in-frame deletion. This variant is rare in the general population with a frequency below the threshold expected for the associated phenotype(s). This variant has been observed in one or more individuals affected with the associated recessive disease, as either homozygous or compound heterozygous with a second variant (PMID: 34016879, 18395098). This variant results in a change to the protein length while preserving reading frame, which may disrupt normal protein structure or function. Given the available evidence, this variant is classified as Pathogenic.

Broad Center for Mendelian Genomics, Broad Institute of MIT and Harvard
Classification: Likely pathogenic for Progressive familial intrahepatic cholestasis type 2. Last evaluated: 2025-01-29. Review status: criteria provided, single submitter. Criteria: ACMG Guidelines, 2015. Collection method: curation. Allele origin: germline. Inheritance: Autosomal recessive inheritance.
Comment: The p.Phe383_Ala389del variant in ABCB11 has been reported in three individuals with BSEP deficiency (PMID: 18395098, 24231640, 28733223, 34016879), and has been identified in 0.004% (46/1177816) of European (non-Finnish) chromosomes by the Genome Aggregation Database (gnomAD; dbSNP rs1553468235). Although this variant has been seen in the general population in a heterozygous state, its frequency is low enough to be consistent with a recessive carrier frequency. This variant has also been reported in ClinVar (Variation ID: 499801) and has been interpreted as pathogenic by Invitae and as a variant of uncertain significance by Eurofins Ntd Llc (ga). Of the three affected individuals, three were were compound heterozygotes that carried a reported pathogenic variant in trans or with unknown phase, which increases the likelihood that the p.Phe383_Ala389del variant is pathogenic (Variation ID: 284637, 6594, 6950; PMID: 18395098, 24231640, 28733223, 34016879). This variant is a deletion of seven amino acids at position 383 and is not predicted to alter the protein reading-frame. It is unclear if this deletion will impact the protein. In summary, although additional studies are required to fully establish its clinical significance, this variant is likely pathogenic for autosomal recessive BSEP deficiency. ACMG/AMP Criteria applied: PM3_strong, PM2_supporting, PM4 (Richards 2015).

Fulgent Genetics
Classification: Likely pathogenic for Progressive familial intrahepatic cholestasis type 2; Benign recurrent intrahepatic cholestasis type 2. Last evaluated: 2024-06-12. Review status: criteria provided, single submitter. Criteria: ACMG Guidelines, 2015. Collection method: clinical testing. Allele origin: germline.

Baylor Genetics
Classification: Pathogenic for Benign recurrent intrahepatic cholestasis type 2. Last evaluated: 2024-03-22. Review status: criteria provided, single submitter. Criteria: ACMG Guidelines, 2015. Collection method: clinical testing. Allele origin: unknown.

Eurofins Ntd Llc (ga)
Classification: Uncertain significance. Last evaluated: 2017-02-01. Review status: criteria provided, single submitter. Criteria: EGL Classification Definitions 2015. Collection method: clinical testing. Allele origin: germline. Observed: 1 variant allele, 1 heterozygote.

Literature cited by the submitters: PubMed 35780807 (cited by Genomenon, Inc); PubMed 28733223 (cited by Genomenon, Inc and Labcorp Genetics (formerly Invitae), Labcorp); PubMed 24231640 (cited by Genomenon, Inc); PubMed 18395098 (cited by 3 submitters); PubMed 34016879 (cited by Labcorp Genetics (formerly Invitae), Labcorp and Natera, Inc.); PubMed 20232290 (cited by Labcorp Genetics (formerly Invitae), Labcorp).